The following is an entry in ClinVar:

ClinVar aggregate classification (germline): Uncertain significance (1 of 4 stars; one submission).

Allele frequency attached by ClinVar (database versions not stated): gnomAD exomes below 0.00001; gnomAD 0.00001.
gnomAD v4.1: 7 of 1,613,906 alleles (0.00043%); highest among the groups gnomAD compares: East Asian, 0.0067%; no homozygotes.

Submission:

GeneDx
Classification: Uncertain significance. Last evaluated: 2022-06-22. Review status: criteria provided, single submitter. Criteria: GeneDx Variant Classification Process June 2021. Collection method: clinical testing. Allele origin: germline. Affected: yes.
Comment: In silico analysis supports that this missense variant has a deleterious effect on protein structure/function; Has not been previously published as pathogenic or benign to our knowledge

NM_001130823.3(DNMT1):c.3176A>G (p.Tyr1059Cys)

Gene: DNMT1 (DNA methyltransferase 1; minus strand). Cytogenetic location: 19p13.2.
Variant type: single nucleotide variant.
Coding change: c.3176A>G on transcript NM_001130823.3 (MANE Select); coding-DNA position 3176, A replaced by G.
Protein change: p.Tyr1059Cys; replaces tyrosine 1059 with cysteine.
Molecular consequence: missense variant.
Genome position (GRCh38, 1-based): chr19:10,142,161, T>C on the plus strand (A>G on the coding strand, the complement: DNMT1 is on the minus strand). VCF-style: chr19-10142161-T-C. GRCh37 (hg19) VCF-style: chr19-10252837-T-C.
Other names: c.3128A>G, p.Tyr1043Cys (NM_001318730.2, NM_001379.4); c.2813A>G, p.Tyr938Cys (NM_001318731.2); short protein forms Y1043C, Y1059C, Y938C.
Identifiers: ClinVar variation 1806503 (VCV001806503.1), dbSNP rs1160158444, ClinGen allele CA403975343.
Genomic context (GRCh38, chr19:10,142,161, plus strand): 5'-TCCACGGTGCAGCGGCCCTGCACAGCCTTGAAGTCCACCACGGCCTCCTCGTCGCTCCAG[T>C]AGAGCAGGTTGATGTCTGCGTGGTAGCTCGCTGGAGTGGACTTGTGGGTGTTCTCAGGCC-3'
Protein context (NP_001124295.1, residues 1049-1069): ASYHADINLL[Tyr1059Cys]WSDEEAVVDF